The following is an entry in ClinVar:

ClinVar aggregate classification (germline): Likely pathogenic. Review status: criteria provided, multiple submitters, no conflicts (2 of 4 stars). 2 submissions from 2 submitters: Likely pathogenic (2). Last evaluated 2024-11-02.

Conditions:
Hereditary insensitivity to pain with anhidrosis (CIPA). Also called: NTRK1 Congenital Insensitivity to Pain with Anhidrosis; hereditary sensory and autonomic neuropathy type 4; INSENSITIVITY TO PAIN, CONGENITAL, WITH ANHIDROSIS; FAMILIAL DYSAUTONOMIA, TYPE II; NEUROPATHY, CONGENITAL SENSORY, WITH ANHIDROSIS; HSAN Type IV. Identifiers: Orphanet 642, MedGen C0020074, MONDO:0009746, OMIM 256800.

Submissions (2):

Natera, Inc.
Classification: Likely pathogenic for Hereditary insensitivity to pain with anhidrosis. Last evaluated: 2024-11-02. Review status: criteria provided, single submitter. Criteria: Natera Variant Classification Schema (03/2026). Collection method: clinical testing. Allele origin: germline.
Comment: The c.3G>A variant in NTRK1 is predicted to result in start loss due to disruption of the initiator methionine. This variant is expected to result in nonsense mediated decay, truncation, or a dysfunctional protein product. This variant is rare in the general population with a frequency below the threshold expected for the associated phenotype(s). Given the available evidence, this variant is classified as Likely Pathogenic.

Labcorp Genetics (formerly Invitae), Labcorp
Classification: Likely pathogenic for Hereditary insensitivity to pain with anhidrosis. Last evaluated: 2021-12-15. Review status: criteria provided, single submitter. Criteria: Invitae Variant Classification Sherloc (09022015). Collection method: clinical testing. Allele origin: germline.
Comment: This variant disrupts a region of the NTRK1 protein in which other variant(s) (p.Arg110Asp) have been observed in individuals with NTRK1-related conditions (PMID: 28328124). This suggests that this is a clinically significant region of the protein, and that variants that disrupt it are likely to be disease-causing. Experimental studies and prediction algorithms are not available or were not evaluated, and the functional significance of this variant is currently unknown. Disruption of the initiator codon has been observed in individual(s) with hereditary sensory and autonomic neuropathy (PMID: 32219930). In at least one individual the data is consistent with being in trans (on the opposite chromosome) from a pathogenic variant. This variant is not present in population databases (gnomAD no frequency). This sequence change affects the initiator methionine of the NTRK1 mRNA. The next in-frame methionine is located at codon 186. In summary, the currently available evidence indicates that the variant is pathogenic, but additional data are needed to prove that conclusively. Therefore, this variant has been classified as Likely Pathogenic.

Literature cited by the submitters: PubMed 28328124 (cited by Labcorp Genetics (formerly Invitae), Labcorp); PubMed 32219930 (cited by Labcorp Genetics (formerly Invitae), Labcorp).

NM_002529.4(NTRK1):c.3G>A (p.Met1Ile)

Genes: NTRK1 (neurotrophic receptor tyrosine kinase 1; plus strand), LOC129931648 (ATAC-STARR-seq lymphoblastoid silent region 1440; plus strand). Cytogenetic location: 1q23.1.
Variant type: single nucleotide variant.
Coding change: c.3G>A on transcript NM_002529.4 (MANE Select); coding-DNA position 3, G replaced by A.
Protein change: p.Met1Ile; changes the start codon (methionine 1).
Molecular consequence: missense variant, initiator codon variant. On other transcripts: intron variant (1).
Genome position (GRCh38, 1-based): chr1:156,860,937, G>A. VCF-style: chr1-156860937-G-A. GRCh37 (hg19) VCF-style: chr1-156830729-G-A.
Other names: c.3G>A (NM_001012331.1); c.3G>A, p.Met1Ile (NM_001012331.2); c.123-3417G>A (NM_001007792.1); short protein forms M1I.
Identifiers: ClinVar variation 1479952 (VCV001479952.7), dbSNP rs2102878843, ClinGen allele CA342928810.